The following is an entry in ClinVar:

ClinVar aggregate classification (germline): Likely pathogenic (1 of 4 stars; one submission).

Conditions:
Primary ciliary dyskinesia. Also called: Ciliary dyskinesia. Identifiers: Orphanet 244, MedGen C0008780, MONDO:0016575, HP:0012265.

Submission:

Labcorp Genetics (formerly Invitae), Labcorp
Classification: Likely pathogenic for Primary ciliary dyskinesia. Last evaluated: 2025-06-16. Review status: criteria provided, single submitter. Criteria: Invitae Variant Classification Sherloc (09022015). Collection method: clinical testing. Allele origin: germline.
Comment: This sequence change affects a donor splice site in intron 71 of the DNAH11 gene. It is expected to disrupt RNA splicing. Variants that disrupt the donor or acceptor splice site typically lead to a loss of protein function (PMID: 16199547), and loss-of-function variants in DNAH11 are known to be pathogenic (PMID: 18022865, 20513915, 22184204). This variant is not present in population databases (gnomAD no frequency). This variant has not been reported in the literature in individuals affected with DNAH11-related conditions. ClinVar contains an entry for this variant (Variation ID: 2875121). Algorithms developed to predict the effect of sequence changes on RNA splicing suggest that this variant may disrupt the consensus splice site. In summary, the currently available evidence indicates that the variant is pathogenic, but additional data are needed to prove that conclusively. Therefore, this variant has been classified as Likely Pathogenic.

Literature cited by the submitters: PubMed 16199547; PubMed 18022865; PubMed 20513915; PubMed 22184204.

NM_001277115.2(DNAH11):c.11690+1G>A

Gene: DNAH11 (dynein axonemal heavy chain 11; plus strand). Cytogenetic location: 7p15.3.
Variant type: single nucleotide variant.
Coding change: c.11690+1G>A on transcript NM_001277115.2 (MANE Select); the canonical splice donor site of the intron after coding-DNA position 11690, G replaced by A.
Molecular consequence: splice donor variant.
Genome position (GRCh38, 1-based): chr7:21,866,664, G>A. VCF-style: chr7-21866664-G-A. GRCh37 (hg19) VCF-style: chr7-21906282-G-A.
Identifiers: ClinVar variation 2875121 (VCV002875121.3), dbSNP rs2535506167, ClinGen allele CA366962245.